The following is an entry in ClinVar:

NM_018082.6(POLR3B):c.728T>C (p.Met243Thr)

Gene: POLR3B (RNA polymerase III subunit B; plus strand). Cytogenetic location: 12q23.3.
Variant type: single nucleotide variant.
Coding change: c.728T>C on transcript NM_018082.6 (MANE Select); coding-DNA position 728, T replaced by C.
Protein change: p.Met243Thr; replaces methionine 243 with threonine.
Molecular consequence: missense variant.
Genome position (GRCh38, 1-based): chr12:106,393,035, T>C. VCF-style: chr12-106393035-T-C. GRCh37 (hg19) VCF-style: chr12-106786813-T-C.
Other names: c.554T>C, p.Met185Thr (NM_001160708.2); short protein forms M185T, M243T.
Identifiers: ClinVar variation 3342221 (VCV003342221.16).

ClinVar aggregate classification (germline): Uncertain significance (1 of 4 stars; one submission).

Submission:

CeGaT Center for Human Genetics Tuebingen
Classification: Uncertain significance. Last evaluated: 2024-08-01. Review status: criteria provided, single submitter. Criteria: CeGaT Center For Human Genetics Tuebingen Variant Classification Criteria Version 2. Collection method: clinical testing. Allele origin: germline. Affected: yes. Observed: 1 variant allele.
Comment: POLR3B: PM2, PP3